The following is an entry in ClinVar:

ClinVar aggregate classification (germline): Pathogenic/Likely pathogenic. Review status: criteria provided, multiple submitters, no conflicts (2 of 4 stars). 3 submissions from 3 submitters: Pathogenic (2); Likely pathogenic (1). Last evaluated 2025-11-22.

Conditions:
Alstrom syndrome (ALMS). Identifiers: Orphanet 64, MedGen C0268425, MONDO:0008763, OMIM 203800.
Cardiovascular phenotype. Identifiers: MedGen CN230736.

Submissions (3):

Labcorp Genetics (formerly Invitae), Labcorp
Classification: Pathogenic for Alstrom syndrome. Last evaluated: 2025-11-22. Review status: criteria provided, single submitter. Criteria: Invitae Variant Classification Sherloc (09022015). Collection method: clinical testing. Allele origin: germline.
Comment: This sequence change creates a premature translational stop signal (p.Ser1943*) in the ALMS1 gene. It is expected to result in an absent or disrupted protein product. Loss-of-function variants in ALMS1 are known to be pathogenic (PMID: 17594715). This variant is not present in population databases (gnomAD no frequency). This variant has not been reported in the literature in individuals affected with ALMS1-related conditions. ClinVar contains an entry for this variant (Variation ID: 1985273). For these reasons, this variant has been classified as Pathogenic.

Ambry Genetics
Classification: Pathogenic for Cardiovascular phenotype. Last evaluated: 2025-01-25. Review status: criteria provided, single submitter. Criteria: Ambry Variant Classification Scheme 2023. Collection method: clinical testing. Allele origin: germline.
Comment: The p.S1943* pathogenic mutation (also known as c.5828C>G), located in coding exon 8 of the ALMS1 gene, results from a C to G substitution at nucleotide position 5828. This changes the amino acid from a serine to a stop codon within coding exon 8. This variant is considered to be rare based on population cohorts in the Genome Aggregation Database (gnomAD). This alteration is expected to result in loss of function by premature protein truncation or nonsense-mediated mRNA decay. As such, this alteration is interpreted as a disease-causing mutation.

Natera, Inc.
Classification: Likely pathogenic for Alstrom syndrome. Last evaluated: 2024-07-01. Review status: criteria provided, single submitter. Criteria: Natera Variant Classification Schema (03/2026). Collection method: clinical testing. Allele origin: germline.
Comment: The c.5828C>G variant in ALMS1 is a nonsense variant predicted to introduce a stop codon at amino acid 1943. This variant is expected to result in nonsense mediated decay, truncation, or a dysfunctional protein product. This variant is rare in the general population with a frequency below the threshold expected for the associated phenotype(s). Given the available evidence, this variant is classified as Likely Pathogenic.

Literature cited by the submitters: PubMed 17594715 (cited by Labcorp Genetics (formerly Invitae), Labcorp).

NM_001378454.1(ALMS1):c.5825C>G (p.Ser1942Ter)

Gene: ALMS1 (ALMS1 centrosome and basal body associated protein; plus strand). Cytogenetic location: 2p13.1.
Variant type: single nucleotide variant.
Coding change: c.5825C>G on transcript NM_001378454.1 (MANE Select); coding-DNA position 5825, C replaced by G.
Protein change: p.Ser1942Ter; replaces serine 1942 with a stop codon.
Molecular consequence: nonsense.
Genome position (GRCh38, 1-based): chr2:73,452,352, C>G. VCF-style: chr2-73452352-C-G. GRCh37 (hg19) VCF-style: chr2-73679479-C-G.
Other names: c.5828C>G, p.Ser1943Ter (NM_015120.4); short protein forms S1943*, S1942*.
Identifiers: ClinVar variation 1985273 (VCV001985273.6), dbSNP rs755927504, ClinGen allele CA347283437.
Genomic context (GRCh38, chr2:73,452,352, plus strand): 5'-TTGTTCCTGGACAAGGTGACCGGAAGACTGAGATACCAACAGTACCTTTAAGTTACTACT[C>G]ACGTAGAGAGAAGCCCAGTGTTATCTCTCAACAGGAGTTGCCAGACAGTCATCTCACAGA-3'